The following is an entry in ClinVar:

ClinVar aggregate classification (germline): Uncertain significance (0 of 4 stars; one submission).

Conditions:
RET-related disorder. Also called: RET-related disorders; RET-related condition; RET-related disease.

Submission:

PreventionGenetics, part of Exact Sciences
Classification: Uncertain significance for RET-related condition. Last evaluated: 2024-08-07. Review status: no assertion criteria provided. Collection method: clinical testing. Allele origin: germline.
Comment: The RET c.95C>G variant is predicted to result in the amino acid substitution p.Ser32Trp. To our knowledge, this variant has not been reported in the literature or in a large population database, indicating this variant is rare. At this time, the clinical significance of this variant is uncertain due to the absence of conclusive functional and genetic evidence.

NM_020975.6(RET):c.95C>G (p.Ser32Trp)

Gene: RET (ret proto-oncogene; plus strand). Cytogenetic location: 10q11.21.
Variant type: single nucleotide variant.
Coding change: c.95C>G on transcript NM_020975.6 (MANE Select); coding-DNA position 95, C replaced by G.
Protein change: p.Ser32Trp; replaces serine 32 with tryptophan.
Molecular consequence: missense variant. On other transcripts: intron variant (4).
Genome position (GRCh38, 1-based): chr10:43,100,480, C>G. VCF-style: chr10-43100480-C-G. GRCh37 (hg19) VCF-style: chr10-43595928-C-G.
Other names: c.95C>G, p.Ser32Trp (NM_001406743.1, NM_001406744.1, NM_001406759.1 and 32 more transcripts); c.74-8551C>G (NM_001406784.1); c.74-11619C>G (NM_001406794.1, NM_001406792.1, NM_001406793.1); short protein forms S32W.
Identifiers: ClinVar variation 3345040 (VCV003345040.1).